The following is an entry in ClinVar:

ClinVar aggregate classification (germline): Uncertain significance (1 of 4 stars; one submission).

Submission:

Labcorp Genetics (formerly Invitae), Labcorp
Classification: Uncertain significance. Last evaluated: 2025-05-23. Review status: criteria provided, single submitter. Criteria: Invitae Variant Classification Sherloc (09022015). Collection method: clinical testing. Allele origin: germline.
Comment: This sequence change replaces valine, which is neutral and non-polar, with alanine, which is neutral and non-polar, at codon 246 of the POLE protein (p.Val246Ala). This variant is not present in population databases (gnomAD no frequency). This variant has not been reported in the literature in individuals affected with POLE-related conditions. Invitae Evidence Modeling of protein sequence and biophysical properties (such as structural, functional, and spatial information, amino acid conservation, physicochemical variation, residue mobility, and thermodynamic stability) indicates that this missense variant is not expected to disrupt POLE protein function with a negative predictive value of 80%. In summary, the available evidence is currently insufficient to determine the role of this variant in disease. Therefore, it has been classified as a Variant of Uncertain Significance.

NM_006231.4(POLE):c.737T>C (p.Val246Ala)

Gene: POLE (DNA polymerase epsilon, catalytic subunit; minus strand). Cytogenetic location: 12q24.33.
Variant type: single nucleotide variant.
Coding change: c.737T>C on transcript NM_006231.4 (MANE Select); coding-DNA position 737, T replaced by C.
Protein change: p.Val246Ala; replaces valine 246 with alanine.
Molecular consequence: missense variant.
Genome position (GRCh38, 1-based): chr12:132,677,427, A>G on the plus strand (T>C on the coding strand, the complement: POLE is on the minus strand). VCF-style: chr12-132677427-A-G. GRCh37 (hg19) VCF-style: chr12-133254013-A-G.
Other names: short protein forms V246A.
Identifiers: ClinVar variation 4740946 (VCV004740946.1).